The following is an entry in ClinVar:

NM_152468.5(TMC8):c.1824-95G>T

Gene: TMC8 (transmembrane channel like 8; plus strand). Cytogenetic location: 17q25.3.
Variant type: single nucleotide variant.
Coding change: c.1824-95G>T on transcript NM_152468.5 (MANE Select); 95 bases into the intron before coding-DNA position 1824, G replaced by T.
Molecular consequence: intron variant.
Genome position (GRCh38, 1-based): chr17:78,139,067, G>T. VCF-style: chr17-78139067-G-T. GRCh37 (hg19) VCF-style: chr17-76135148-G-T.
Identifiers: ClinVar variation 1273543 (VCV001273543.4), dbSNP rs73999646, ClinGen allele CA8797039.

ClinVar aggregate classification (germline): Benign. Review status: criteria provided, multiple submitters, no conflicts (2 of 4 stars). 3 submissions from 3 submitters: Benign (3). Last evaluated 2024-01-24.

Allele frequency attached by ClinVar (database versions not stated): 1000 Genomes Project 30x 0.14756; 1000 Genomes Project 0.14297.
gnomAD v4.1: 104,610 of 1,583,618 alleles (6.6%); highest among the groups gnomAD compares: Admixed American, 31%; 7,313 homozygotes.

Submissions (3):

Unidad de Genómica Garrahan, Hospital de Pediatría Garrahan
Classification: Benign. Last evaluated: 2024-01-24. Review status: criteria provided, single submitter. Criteria: ACMG Guidelines, 2015. Collection method: clinical testing. Allele origin: germline. Affected: no. Observed: 37 variant alleles.
Comment: This variant is classified as Benign based on local population frequency. This variant was detected in 42% of patients studied by a panel of primary immunodeficiencies. Number of patients: 37. Only high quality variants are reported.

GeneDx
Classification: Benign. Last evaluated: 2018-07-09. Review status: criteria provided, single submitter. Criteria: GeneDx Variant Classification Process June 2021. Collection method: clinical testing. Allele origin: germline. Affected: yes.

Breakthrough Genomics
Classification: Benign. Review status: criteria provided, single submitter. Criteria: ACMG Guidelines, 2015. Collection method: not provided. Allele origin: germline. Inheritance: Autosomal recessive inheritance. Affected: yes.